The following is an entry in ClinVar:

ClinVar aggregate classification (germline): Uncertain significance (1 of 4 stars; one submission).

Conditions:
Kabuki syndrome. Also called: Kabuki make-up syndrome; NIIKAWA-KUROKI SYNDROME. Identifiers: Orphanet 2322, MedGen C0796004, MONDO:0016512.

Submission:

Labcorp Genetics (formerly Invitae), Labcorp
Classification: Uncertain significance for Kabuki syndrome. Last evaluated: 2024-02-24. Review status: criteria provided, single submitter. Criteria: Invitae Variant Classification Sherloc (09022015). Collection method: clinical testing. Allele origin: germline.
Comment: This sequence change replaces proline, which is neutral and non-polar, with leucine, which is neutral and non-polar, at codon 4644 of the KMT2D protein (p.Pro4644Leu). This variant is not present in population databases (gnomAD no frequency). This variant has not been reported in the literature in individuals affected with KMT2D-related conditions. ClinVar contains an entry for this variant (Variation ID: 1517678). Advanced modeling of protein sequence and biophysical properties (such as structural, functional, and spatial information, amino acid conservation, physicochemical variation, residue mobility, and thermodynamic stability) performed at Invitae indicates that this missense variant is not expected to disrupt KMT2D protein function with a negative predictive value of 95%. In summary, the available evidence is currently insufficient to determine the role of this variant in disease. Therefore, it has been classified as a Variant of Uncertain Significance.

NM_003482.4(KMT2D):c.13931C>T (p.Pro4644Leu)

Gene: KMT2D (lysine methyltransferase 2D; minus strand). Cytogenetic location: 12q13.12.
Variant type: single nucleotide variant.
Coding change: c.13931C>T on transcript NM_003482.4 (MANE Select); coding-DNA position 13931, C replaced by T.
Protein change: p.Pro4644Leu; replaces proline 4644 with leucine.
Molecular consequence: missense variant.
Genome position (GRCh38, 1-based): chr12:49,030,348, G>A on the plus strand (C>T on the coding strand, the complement: KMT2D is on the minus strand). VCF-style: chr12-49030348-G-A. GRCh37 (hg19) VCF-style: chr12-49424131-G-A.
Other names: short protein forms P4644L.
Identifiers: ClinVar variation 1517678 (VCV001517678.8), dbSNP rs1369768097, ClinGen allele CA384700583.